The following is an entry in ClinVar:

ClinVar aggregate classification (germline): Uncertain significance (1 of 4 stars; one submission).

Allele frequency attached by ClinVar (database versions not stated): gnomAD 0.00001.

Submission:

Labcorp Genetics (formerly Invitae), Labcorp
Classification: Uncertain significance. Last evaluated: 2024-02-24. Review status: criteria provided, single submitter. Criteria: Invitae Variant Classification Sherloc (09022015). Collection method: clinical testing. Allele origin: germline.
Comment: This sequence change replaces alanine, which is neutral and non-polar, with threonine, which is neutral and polar, at codon 1436 of the ALPK3 protein (p.Ala1436Thr). This variant is not present in population databases (gnomAD no frequency). This variant has not been reported in the literature in individuals affected with ALPK3-related conditions. Algorithms developed to predict the effect of missense changes on protein structure and function output the following: SIFT: "Not Available"; PolyPhen-2: "Benign"; Align-GVGD: "Not Available". The threonine amino acid residue is found in multiple mammalian species, which suggests that this missense change does not adversely affect protein function. In summary, the available evidence is currently insufficient to determine the role of this variant in disease. Therefore, it has been classified as a Variant of Uncertain Significance.

NM_020778.5(ALPK3):c.3700G>A (p.Ala1234Thr)

Gene: ALPK3 (alpha kinase 3; plus strand). Cytogenetic location: 15q25.3.
Variant type: single nucleotide variant.
Coding change: c.3700G>A on transcript NM_020778.5 (MANE Select); coding-DNA position 3700, G replaced by A.
Protein change: p.Ala1234Thr; replaces alanine 1234 with threonine.
Molecular consequence: missense variant.
Genome position (GRCh38, 1-based): chr15:84,858,438, G>A. VCF-style: chr15-84858438-G-A. GRCh37 (hg19) VCF-style: chr15-85401669-G-A.
Other names: short protein forms A1234T.
Identifiers: ClinVar variation 3004773 (VCV003004773.3), dbSNP rs1948393153, ClinGen allele CA393360786.
Genomic context (GRCh38, chr15:84,858,438, plus strand): 5'-TCCCCTACGCAGGGCAGAAAGGCGAGCATGCTGGAGGTGCCTCGGGCAGAGGAGGAGCTG[G>A]CGGCAGGAGACCTGGGCCCCAGCCCCAAGGCCGGCGGTCTGGACACAGAGGTGGCCCTGG-3'
Protein context (NP_065829.4, residues 1224-1244): LEVPRAEEEL[Ala1234Thr]AGDLGPSPKA